The following is an entry in ClinVar:

NM_000937.5(POLR2A):c.3265G>C (p.Ala1089Pro)

Gene: POLR2A (RNA polymerase II subunit A; plus strand). Cytogenetic location: 17p13.1.
Variant type: single nucleotide variant.
Coding change: c.3265G>C on transcript NM_000937.5 (MANE Select); coding-DNA position 3265, G replaced by C.
Protein change: p.Ala1089Pro; replaces alanine 1089 with proline.
Molecular consequence: missense variant.
Genome position (GRCh38, 1-based): chr17:7,508,275, G>C. VCF-style: chr17-7508275-G-C. GRCh37 (hg19) VCF-style: chr17-7411594-G-C.
Other names: short protein forms A1089P.
Identifiers: ClinVar variation 3368551 (VCV003368551.2).

ClinVar aggregate classification (germline): Uncertain significance. Review status: criteria provided, multiple submitters, no conflicts (2 of 4 stars). 2 submissions from 2 submitters: Uncertain significance (2). Last evaluated 2024-01-30.

Conditions:
Neurodevelopmental disorder with hypotonia and variable intellectual and behavioral abnormalities. Identifiers: MedGen C5231423, MONDO:0032829, OMIM 618603.

Submissions (2):

GeneDx
Classification: Uncertain significance. Last evaluated: 2024-01-30. Review status: criteria provided, single submitter. Criteria: GeneDx Variant Classification Process June 2021. Collection method: clinical testing. Allele origin: germline. Affected: yes.
Comment: Not observed at significant frequency in large population cohorts (gnomAD); In silico analysis supports that this missense variant has a deleterious effect on protein structure/function; Has not been previously published as pathogenic or benign to our knowledge

3billion
Classification: Uncertain significance for Neurodevelopmental disorder with hypotonia and variable intellectual and behavioral abnormalities. Last evaluated: 2023-10-24. Review status: criteria provided, single submitter. Criteria: ACMG Guidelines, 2015. Collection method: clinical testing. Allele origin: germline. Affected: yes.
Comment: The variant is not observed in the gnomAD v2.1.1 dataset. Predicted Consequence/Location: Missense changes are a common disease-causing mechanism. In silico tool predictions suggest damaging effect of the variant on gene or gene product [REVEL: 0.69 (>=0.6 sensitivity 0.68 and specificity 0.92)] Therefore, this variant is classified as VUS according to the recommendation of ACMG/AMP guideline.